The following is an entry in ClinVar:

ClinVar aggregate classification (germline): Uncertain significance (1 of 4 stars; one submission).

Allele frequency attached by ClinVar (database versions not stated): TOPMed 0.00001.

Submission:

Labcorp Genetics (formerly Invitae), Labcorp
Classification: Uncertain significance. Last evaluated: 2024-03-14. Review status: criteria provided, single submitter. Criteria: Invitae Variant Classification Sherloc (09022015). Collection method: clinical testing. Allele origin: germline.
Comment: This sequence change replaces threonine, which is neutral and polar, with proline, which is neutral and non-polar, at codon 563 of the NSD1 protein (p.Thr563Pro). This variant is not present in population databases (gnomAD no frequency). This variant has not been reported in the literature in individuals affected with NSD1-related conditions. ClinVar contains an entry for this variant (Variation ID: 1348884). Advanced modeling of protein sequence and biophysical properties (such as structural, functional, and spatial information, amino acid conservation, physicochemical variation, residue mobility, and thermodynamic stability) performed at Invitae indicates that this missense variant is not expected to disrupt NSD1 protein function with a negative predictive value of 95%. In summary, the available evidence is currently insufficient to determine the role of this variant in disease. Therefore, it has been classified as a Variant of Uncertain Significance.

NM_022455.5(NSD1):c.1687A>C (p.Thr563Pro)

Gene: NSD1 (nuclear receptor binding SET domain protein 1; plus strand). Cytogenetic location: 5q35.3.
Variant type: single nucleotide variant.
Coding change: c.1687A>C on transcript NM_022455.5 (MANE Select); coding-DNA position 1687, A replaced by C.
Protein change: p.Thr563Pro; replaces threonine 563 with proline.
Molecular consequence: missense variant.
Genome position (GRCh38, 1-based): chr5:177,210,086, A>C. VCF-style: chr5-177210086-A-C. GRCh37 (hg19) VCF-style: chr5-176637087-A-C.
Other names: c.814A>C, p.Thr272Pro (NM_001365684.2, NM_001409306.1, NM_001409307.1 and 3 more transcripts); c.1687A>C, p.Thr563Pro (NM_001409301.1, NM_001409302.1, NM_001409303.1); c.1267A>C, p.Thr423Pro (NM_001409304.1); c.934A>C, p.Thr312Pro (NM_001409305.1); short protein forms T294P, T563P, T312P, T272P, T423P.
Identifiers: ClinVar variation 1348884 (VCV001348884.6), dbSNP rs1763212012, ClinGen allele CA362310863.